The following is an entry in ClinVar:

ClinVar aggregate classification (germline): Uncertain significance. Review status: criteria provided, single submitter (1 of 4 stars). 2 submissions from 2 submitters: Uncertain significance (1). 1 of the submissions does not count toward it. Last evaluated 2024-05-28.

Conditions:
Polycystic kidney disease, adult type (PKD1). Also called: Polycystic Kidney, Autosomal Dominant; POLYCYSTIC KIDNEY DISEASE 1 WITH OR WITHOUT POLYCYSTIC LIVER DISEASE; POLYCYSTIC KIDNEY DISEASE, ADULT, TYPE I; Polycystic Kidney Disease 1, Autosomal Dominant; Polycystic kidney disease 1; Polycystic kidney disease 1, severe. Identifiers: MedGen C3149841, MONDO:0008263, OMIM 173900.
PKD1-related disorder. Also called: PKD1-related condition.

gnomAD v4.1: 25 of 1,610,470 alleles (0.0016%); highest among the groups gnomAD compares: African/African-American, 0.0027%; no homozygotes.

Submissions (2):

Fulgent Genetics
Classification: Uncertain significance for Polycystic kidney disease, adult type. Last evaluated: 2024-05-28. Review status: criteria provided, single submitter. Criteria: ACMG Guidelines, 2015. Collection method: clinical testing. Allele origin: germline.

PreventionGenetics, part of Exact Sciences
Classification: Uncertain significance for PKD1-related condition. Last evaluated: 2024-03-29. Review status: no assertion criteria provided. Collection method: clinical testing. Allele origin: germline. Not counted in ClinVar's aggregate classification.
Comment: The PKD1 c.1230G>A is a noncoding alteration. To our knowledge, this variant has not been reported in the literature. However, this nucleotide change is predicted to possibly affect the normal splicing (Alamut Visual Plus v1.6.1). This variant is reported in 0.0016% of alleles in individuals of European (Non-Finnish) descent in gnomAD. At this time, the clinical significance of this variant is uncertain due to the absence of conclusive functional and genetic evidence.

NM_001009944.3(PKD1):c.1230G>A (p.Thr410=)

Gene: PKD1 (polycystin 1, transient receptor potential channel interacting; minus strand). Cytogenetic location: 16p13.3.
Variant type: single nucleotide variant.
Coding change: c.1230G>A on transcript NM_001009944.3 (MANE Select); coding-DNA position 1230, G replaced by A.
Protein change: p.Thr410=; no amino-acid change (threonine 410 retained).
Molecular consequence: synonymous variant.
Genome position (GRCh38, 1-based): chr16:2,117,644, C>T on the plus strand (G>A on the coding strand, the complement: PKD1 is on the minus strand). VCF-style: chr16-2117644-C-T. GRCh37 (hg19) VCF-style: chr16-2167645-C-T.
Other names: c.1230G>A, p.Thr410= (NM_000296.4).
Identifiers: ClinVar variation 3357116 (VCV003357116.2).